The following is an entry in ClinVar:

ClinVar aggregate classification (germline): Likely pathogenic (1 of 4 stars; one submission).

Conditions:
Deficiency of alpha-mannosidase (MANSA). Also called: Alpha-Mannosidosis; LYSOSOMAL ALPHA-D-MANNOSIDASE DEFICIENCY; Mannosidosis, alpha-, types I and II. Identifiers: Orphanet 61, MedGen C0024748, MONDO:0009561, OMIM 248500.

Submission:

Labcorp Genetics (formerly Invitae), Labcorp
Classification: Likely pathogenic for Deficiency of alpha-mannosidase. Last evaluated: 2022-11-05. Review status: criteria provided, single submitter. Criteria: Invitae Variant Classification Sherloc (09022015). Collection method: clinical testing. Allele origin: germline.
Comment: In summary, the currently available evidence indicates that the variant is pathogenic, but additional data are needed to prove that conclusively. Therefore, this variant has been classified as Likely Pathogenic. Algorithms developed to predict the effect of sequence changes on RNA splicing suggest that this variant may disrupt the consensus splice site. This variant has not been reported in the literature in individuals affected with MAN2B1-related conditions. This variant is not present in population databases (gnomAD no frequency). This sequence change affects a splice site in intron 3 of the MAN2B1 gene. It is expected to disrupt RNA splicing. Variants that disrupt the donor or acceptor splice site typically lead to a loss of protein function (PMID: 16199547), and loss-of-function variants in MAN2B1 are known to be pathogenic (PMID: 9915946, 22161967).

Literature cited by the submitters: PubMed 16199547; PubMed 9915946; PubMed 22161967.

NM_000528.4(MAN2B1):c.437-2del

Gene: MAN2B1 (mannosidase alpha class 2B member 1; minus strand). Cytogenetic location: 19p13.13.
Variant type: Deletion.
Coding change: c.437-2del on transcript NM_000528.4 (MANE Select); the canonical splice acceptor site of the intron before coding-DNA position 437, one base deleted (A; older notation c.437-2delA).
Molecular consequence: splice acceptor variant.
Genome position (GRCh38, 1-based): chr19:12,664,987, T deleted on the plus strand (A on the coding strand, the reverse complement: MAN2B1 is on the minus strand). VCF-style (leftmost placement, unchanged base first): chr19-12664986-CT-C. GRCh37 (hg19) VCF-style: chr19-12775800-CT-C.
Other names: c.437-2del (NM_001173498.2).
Identifiers: ClinVar variation 2808887 (VCV002808887.3), dbSNP rs2512515060, ClinGen allele CA2739276548.